The following is an entry in ClinVar:

NM_003280.3(TNNC1):c.268_269insT (p.Lys90fs)

Gene: TNNC1 (troponin C1, slow skeletal and cardiac type; minus strand). Cytogenetic location: 3p21.1.
Variant type: Insertion.
Coding change: c.268_269insT on transcript NM_003280.3 (MANE Select); coding-DNA positions 268 to 269, T inserted.
Protein change: p.Lys90fs; shifts the reading frame from lysine 90.
Molecular consequence: frameshift variant.
Genome position: GRCh38 VCF-style: chr3-52451792-T-TA. GRCh37 (hg19) VCF-style: chr3-52485808-T-TA.
Other names: short protein forms K90fs.
Identifiers: ClinVar variation 2943024 (VCV002943024.3), dbSNP rs2471444199, ClinGen allele CA2740094477.

ClinVar aggregate classification (germline): Uncertain significance (1 of 4 stars; one submission).

Conditions:
Dilated cardiomyopathy 1Z (CMD1Z). Identifiers: Orphanet 154, MedGen C2678475, MONDO:0012745, OMIM 611879.
Hypertrophic cardiomyopathy 13. Also called: TNNC1-Related Familial Hypertrophic Cardiomyopathy. Identifiers: MedGen C2750472, MONDO:0013195, OMIM 613243.

Submission:

Labcorp Genetics (formerly Invitae), Labcorp
Classification: Uncertain significance for Hypertrophic cardiomyopathy 13; Dilated cardiomyopathy 1Z. Last evaluated: 2023-01-08. Review status: criteria provided, single submitter. Criteria: Invitae Variant Classification Sherloc (09022015). Collection method: clinical testing. Allele origin: germline.
Comment: In summary, the available evidence is currently insufficient to determine the role of this variant in disease. Therefore, it has been classified as a Variant of Uncertain Significance. This variant has not been reported in the literature in individuals affected with TNNC1-related conditions. This variant is not present in population databases (gnomAD no frequency). This sequence change creates a premature translational stop signal (p.Lys90Ilefs*5) in the TNNC1 gene. It is expected to result in an absent or disrupted protein product. However, the current clinical and genetic evidence is not sufficient to establish whether loss-of-function variants in TNNC1 cause disease.